The following is an entry in ClinVar:

ClinVar aggregate classification (germline): Uncertain significance (1 of 4 stars; one submission).

Submission:

Labcorp Genetics (formerly Invitae), Labcorp
Classification: Uncertain significance. Last evaluated: 2025-08-11. Review status: criteria provided, single submitter. Criteria: Invitae Variant Classification Sherloc (09022015). Collection method: clinical testing. Allele origin: germline.
Comment: This sequence change replaces valine, which is neutral and non-polar, with methionine, which is neutral and non-polar, at codon 13 of the ARSG protein (p.Val13Met). This variant is not present in population databases (gnomAD no frequency). This variant has not been reported in the literature in individuals affected with ARSG-related conditions. ClinVar contains an entry for this variant (Variation ID: 2091048). An algorithm developed to predict the effect of missense changes on protein structure and function outputs the following: PolyPhen-2: "Benign". The methionine amino acid residue is found in multiple mammalian species, which suggests that this missense change does not adversely affect protein function. In summary, the available evidence is currently insufficient to determine the role of this variant in disease. Therefore, it has been classified as a Variant of Uncertain Significance.

NM_001267727.2(ARSG):c.37G>A (p.Val13Met)

Gene: ARSG (arylsulfatase G; plus strand). Cytogenetic location: 17q24.2.
Variant type: single nucleotide variant.
Coding change: c.37G>A on transcript NM_001267727.2 (MANE Select); coding-DNA position 37, G replaced by A.
Protein change: p.Val13Met; replaces valine 13 with methionine.
Molecular consequence: missense variant.
Genome position (GRCh38, 1-based): chr17:68,307,530, G>A. VCF-style: chr17-68307530-G-A. GRCh37 (hg19) VCF-style: chr17-66303671-G-A.
Other names: c.37G>A, p.Val13Met (NM_001352899.2, NM_001352900.2, NM_001352901.2 and 9 more transcripts); short protein forms V13M.
Identifiers: ClinVar variation 2091048 (VCV002091048.4), dbSNP rs1293164493, ClinGen allele CA400745861.